The following is an entry in ClinVar:

ClinVar aggregate classification (germline): Uncertain significance (1 of 4 stars; one submission).

Conditions:
Pyridoxal phosphate-responsive seizures (PNPOD). Also called: Pyridoxine-5'-phosphate oxidase deficiency; SEIZURES, PYRIDOXINE-RESISTANT, PLP-SENSITIVE; EPILEPTIC ENCEPHALOPATHY, NEONATAL, PNPO-RELATED; Pyridoxamine 5-Prime-Phosphate Oxidase Deficiency; Pyridoxal 5'-Phosphate (PLP)-Dependent Epilepsy. Identifiers: Orphanet 79096, MedGen C1864723, MONDO:0012407, OMIM 610090. Disease mechanism: loss of function.

gnomAD v4.1: 3 of 1,613,692 alleles (0.00019%); no homozygotes.

Submission:

Labcorp Genetics (formerly Invitae), Labcorp
Classification: Uncertain significance for Pyridoxal phosphate-responsive seizures. Last evaluated: 2022-07-26. Review status: criteria provided, single submitter. Criteria: Invitae Variant Classification Sherloc (09022015). Collection method: clinical testing. Allele origin: germline.
Comment: This sequence change replaces proline, which is neutral and non-polar, with leucine, which is neutral and non-polar, at codon 145 of the PNPO protein (p.Pro145Leu). This variant is not present in population databases (gnomAD no frequency). This variant has not been reported in the literature in individuals affected with PNPO-related conditions. ClinVar contains an entry for this variant (Variation ID: 856923). Algorithms developed to predict the effect of missense changes on protein structure and function output the following: SIFT: "Tolerated"; PolyPhen-2: "Benign"; Align-GVGD: "Class C0". The leucine amino acid residue is found in multiple mammalian species, which suggests that this missense change does not adversely affect protein function. In summary, the available evidence is currently insufficient to determine the role of this variant in disease. Therefore, it has been classified as a Variant of Uncertain Significance.

NM_018129.4(PNPO):c.434C>T (p.Pro145Leu)

Gene: PNPO (pyridoxamine 5'-phosphate oxidase; plus strand). Cytogenetic location: 17q21.32.
Variant type: single nucleotide variant.
Coding change: c.434C>T on transcript NM_018129.4 (MANE Select); coding-DNA position 434, C replaced by T.
Protein change: p.Pro145Leu; replaces proline 145 with leucine.
Molecular consequence: missense variant.
Genome position (GRCh38, 1-based): chr17:47,945,877, C>T. VCF-style: chr17-47945877-C-T. GRCh37 (hg19) VCF-style: chr17-46023243-C-T.
Other names: short protein forms P145L.
Identifiers: ClinVar variation 856923 (VCV000856923.7), dbSNP rs373528454, ClinGen allele CA400058575.